The following is an entry in ClinVar:

NM_006302.3(MOGS):c.370C>T (p.Gln124Ter)

Gene: MOGS (mannosyl-oligosaccharide glucosidase; minus strand). Cytogenetic location: 2p13.1.
Variant type: single nucleotide variant.
Coding change: c.370C>T on transcript NM_006302.3 (MANE Select); coding-DNA position 370, C replaced by T.
Protein change: p.Gln124Ter; replaces glutamine 124 with a stop codon.
Molecular consequence: nonsense.
Genome position (GRCh38, 1-based): chr2:74,464,705, G>A on the plus strand (C>T on the coding strand, the complement: MOGS is on the minus strand). VCF-style: chr2-74464705-G-A. GRCh37 (hg19) VCF-style: chr2-74691832-G-A.
Other names: MOGS, GLN124TER (rs587777323); c.52C>T, p.Gln18Ter (NM_001146158.2); c.370C>T, p.Gln124Ter (LRG_1226t1); short protein forms Q124*, Q18*.
Identifiers: ClinVar variation 127098 (VCV000127098.12), dbSNP rs587777323, ClinGen allele CA269769.

ClinVar aggregate classification (germline): Pathogenic. Review status: criteria provided, multiple submitters, no conflicts (2 of 4 stars). 6 submissions from 6 submitters: Pathogenic (5). 1 of the submissions does not count toward it. Last evaluated 2025-12-16.

Conditions:
MOGS-congenital disorder of glycosylation. Also called: CDG IIb; GLUCOSIDASE I DEFICIENCY; MOGS-CDG; CDG 2B. Identifiers: Orphanet 79330, MedGen C1853736, MONDO:0011629, OMIM 606056.

Allele frequency attached by ClinVar (database versions not stated): TOPMed 0.00005; gnomAD 0.00007; ExAC 0.00002; gnomAD exomes 0.00002.

Submissions (6):

Labcorp Genetics (formerly Invitae), Labcorp
Classification: Pathogenic for MOGS-congenital disorder of glycosylation. Last evaluated: 2025-12-16. Review status: criteria provided, single submitter. Criteria: Invitae Variant Classification Sherloc (09022015). Collection method: clinical testing. Allele origin: germline.
Comment: This sequence change creates a premature translational stop signal (p.Gln124*) in the MOGS gene. It is expected to result in an absent or disrupted protein product. Loss-of-function variants in MOGS are known to be pathogenic (PMID: 24716661, 26805780). This variant is present in population databases (rs587777323, gnomAD 0.008%). This premature translational stop signal has been observed in individual(s) with MOGS-congenital disorder of glycosylation (PMID: 26805780). ClinVar contains an entry for this variant (Variation ID: 127098). Algorithms developed to predict the effect of sequence changes on RNA splicing suggest that this variant may disrupt the consensus splice site. For these reasons, this variant has been classified as Pathogenic.

Fulgent Genetics
Classification: Pathogenic for MOGS-congenital disorder of glycosylation. Last evaluated: 2022-01-04. Review status: criteria provided, single submitter. Criteria: ACMG Guidelines, 2015. Collection method: clinical testing. Allele origin: unknown.

GeneDx
Classification: Pathogenic. Last evaluated: 2020-07-07. Review status: criteria provided, single submitter. Criteria: GeneDx Variant Classification Process June 2021. Collection method: clinical testing. Allele origin: germline. Affected: yes.
Comment: Nonsense variant predicted to result in protein truncation [or nonsense mediated decay] in a gene for which loss-of-function is a known mechanism of disease; Not observed at a significant frequency in large population cohorts (Lek et al., 2016); This variant is associated with the following publications: (PMID: 26805780, 24716661, 29431110)

Baylor Genetics
Classification: Pathogenic for MOGS-congenital disorder of glycosylation. Last evaluated: 2020-02-28. Review status: criteria provided, single submitter. Criteria: ACMG Guidelines, 2015. Collection method: clinical testing. Allele origin: unknown. Affected: yes.
Comment: This variant was determined to be pathogenic according to ACMG Guidelines, 2015 [PMID:25741868].

Courtagen Diagnostics Laboratory, Courtagen Life Sciences
Classification: Pathogenic for Congenital disorder of glycosylation, type IIb. Last evaluated: 2015-01-12. Review status: criteria provided, single submitter. Criteria: Courtagen Life Sciences Classifications. Collection method: clinical testing. Allele origin: germline.

OMIM
Classification: Pathogenic for CONGENITAL DISORDER OF GLYCOSYLATION, TYPE IIb. Last evaluated: 2014-04-24. Review status: no assertion criteria provided. Collection method: literature only. Allele origin: unknown. Not counted in ClinVar's aggregate classification.

Literature cited by the submitters: PubMed 24716661 (cited by Labcorp Genetics (formerly Invitae), Labcorp and OMIM); PubMed 26805780 (cited by Labcorp Genetics (formerly Invitae), Labcorp and OMIM).